The following is an entry in ClinVar:

ClinVar aggregate classification (germline): Uncertain significance. Review status: criteria provided, multiple submitters, no conflicts (2 of 4 stars). 3 submissions from 3 submitters: Uncertain significance (2). 1 of the submissions does not count toward it. Last evaluated 2025-09-13.

Conditions:
Ventricular septal defect 1 (VSD1). Identifiers: MedGen C3280777, MONDO:0013746, OMIM 614429.
Atrioventricular septal defect 4 (AVSD4). Identifiers: MedGen C3280781, MONDO:0013747, OMIM 614430.

Allele frequency attached by ClinVar (database versions not stated): TOPMed 0.00004.
gnomAD v4.1: 34 of 1,613,984 alleles (0.0021%); highest among the groups gnomAD compares: East Asian, 0.0067%; no homozygotes.

Submissions (3):

Labcorp Genetics (formerly Invitae), Labcorp
Classification: Uncertain significance for Atrioventricular septal defect 4. Last evaluated: 2025-09-13. Review status: criteria provided, single submitter. Criteria: Invitae Variant Classification Sherloc (09022015). Collection method: clinical testing. Allele origin: germline.
Comment: This sequence change replaces alanine, which is neutral and non-polar, with valine, which is neutral and non-polar, at codon 442 of the GATA4 protein (p.Ala442Val). This variant is present in population databases (rs146017816, gnomAD 0.006%). This missense change has been observed in individual(s) with ventricular septal defect (PMID: 18672102, 23626780, 29377543, 33142350). ClinVar contains an entry for this variant (Variation ID: 30102). Invitae Evidence Modeling of protein sequence and biophysical properties (such as structural, functional, and spatial information, amino acid conservation, physicochemical variation, residue mobility, and thermodynamic stability) has been performed for this missense variant. However, the output from this modeling did not meet the statistical confidence thresholds required to predict the impact of this variant on GATA4 protein function. Experimental studies have shown that this missense change affects GATA4 function (PMID: 23626780). In summary, the available evidence is currently insufficient to determine the role of this variant in disease. Therefore, it has been classified as a Variant of Uncertain Significance.

GeneDx
Classification: Uncertain significance. Last evaluated: 2022-01-02. Review status: criteria provided, single submitter. Criteria: GeneDx Variant Classification Process June 2021. Collection method: clinical testing. Allele origin: germline. Affected: yes.
Comment: Not observed at significant frequency in large population cohorts (gnomAD); In silico analysis supports that this missense variant does not alter protein structure/function; This variant is associated with the following publications: (PMID: 18672102, 29377543, 31475041, 33100332, 23626780)

OMIM
Classification: Pathogenic for VENTRICULAR SEPTAL DEFECT 1. Last evaluated: 2008-11-01. Review status: no assertion criteria provided. Collection method: literature only. Allele origin: germline. Not counted in ClinVar's aggregate classification.

Literature cited by the submitters: PubMed 18672102 (cited by Labcorp Genetics (formerly Invitae), Labcorp and OMIM); PubMed 23626780 (cited by Labcorp Genetics (formerly Invitae), Labcorp); PubMed 29377543 (cited by Labcorp Genetics (formerly Invitae), Labcorp); PubMed 33142350 (cited by Labcorp Genetics (formerly Invitae), Labcorp).

NM_001308093.3(GATA4):c.1328C>T (p.Ala443Val)

Gene: GATA4 (GATA binding protein 4). Cytogenetic location: 8p23.1.
Variant type: single nucleotide variant.
Coding change: c.1328C>T on transcript NM_001308093.3 (MANE Select); coding-DNA position 1328, C replaced by T.
Protein change: p.Ala443Val; replaces alanine 443 with valine.
Molecular consequence: missense variant.
Genome position (GRCh38, 1-based): chr8:11,758,471, C>T. VCF-style: chr8-11758471-C-T. GRCh37 (hg19) VCF-style: chr8-11615980-C-T.
Other names: c.707C>T, p.Ala236Val (NM_001308094.2, NM_001374273.1); c.581C>T, p.Ala194Val (NM_001374274.1); c.1325C>T, p.Ala442Val (NM_002052.5); short protein forms A442V, A236V, A443V, A194V.
Identifiers: ClinVar variation 30102 (VCV000030102.10), dbSNP rs146017816, ClinGen allele CA212672.